The following is an entry in ClinVar:

NM_018896.5(CACNA1G):c.5731C>A (p.Pro1911Thr)

Gene: CACNA1G (calcium voltage-gated channel subunit alpha1 G; plus strand). Cytogenetic location: 17q21.33.
Variant type: single nucleotide variant.
Coding change: c.5731C>A on transcript NM_018896.5 (MANE Select); coding-DNA position 5731, C replaced by A.
Protein change: p.Pro1911Thr; replaces proline 1911 with threonine.
Molecular consequence: missense variant. On other transcripts: non-coding transcript variant (5).
Genome position (GRCh38, 1-based): chr17:50,618,958, C>A. VCF-style: chr17-50618958-C-A. GRCh37 (hg19) VCF-style: chr17-48696319-C-A.
Other names: c.5677C>A, p.Pro1893Thr (NM_001256324.2, NM_198386.3); c.5752C>A, p.Pro1918Thr (NM_001256325.2); c.5596C>A, p.Pro1866Thr (NM_001256326.2, NM_001256330.2); c.5710C>A, p.Pro1904Thr (NM_001256327.2); c.5656C>A, p.Pro1886Thr (NM_001256328.2); c.5629C>A, p.Pro1877Thr (NM_001256329.2, NM_198376.3, NM_198379.3 and 2 more transcripts); c.5575C>A, p.Pro1859Thr (NM_001256331.2); c.5560C>A, p.Pro1854Thr (NM_001256332.2); and 8 more; short protein forms P1859T, P1870T, P1877T, P1886T, P1888T, P1866T, P1900T, P1904T.
Identifiers: ClinVar variation 2253284 (VCV002253284.3), dbSNP rs2545764140, ClinGen allele CA400266272.

ClinVar aggregate classification (germline): Uncertain significance. Review status: criteria provided, multiple submitters, no conflicts (2 of 4 stars). 2 submissions from 2 submitters: Uncertain significance (2). Last evaluated 2024-12-12.

Conditions:
Inborn genetic diseases. Identifiers: MedGen C0950123, MeSH D030342.

Allele frequency attached by ClinVar (database versions not stated): gnomAD exomes below 0.00001.
gnomAD v4.1: 1 of 1,575,102 alleles (0.000063%); highest among the groups gnomAD compares: African/African-American, 0.0014%; no homozygotes.

Submissions (2):

GeneDx
Classification: Uncertain significance. Last evaluated: 2024-12-12. Review status: criteria provided, single submitter. Criteria: GeneDx Variant Classification Process June 2021. Collection method: clinical testing. Allele origin: germline. Affected: yes.
Comment: Not observed at significant frequency in large population cohorts (gnomAD); In silico analysis indicates that this missense variant does not alter protein structure/function; Has not been previously published as pathogenic or benign to our knowledge

Ambry Genetics
Classification: Uncertain significance for Inborn genetic diseases. Last evaluated: 2021-10-05. Review status: criteria provided, single submitter. Criteria: Ambry Variant Classification Scheme 2023. Collection method: clinical testing. Allele origin: germline.